The following is an entry in ClinVar:

NM_005228.5(EGFR):c.2602G>C (p.Glu868Gln)

Gene: EGFR (epidermal growth factor receptor; plus strand). Cytogenetic location: 7p11.2.
Variant type: single nucleotide variant.
Coding change: c.2602G>C on transcript NM_005228.5 (MANE Select); coding-DNA position 2602, G replaced by C.
Protein change: p.Glu868Gln; replaces glutamic acid 868 with glutamine.
Molecular consequence: missense variant.
Genome position (GRCh38, 1-based): chr7:55,191,851, G>C. VCF-style: chr7-55191851-G-C. GRCh37 (hg19) VCF-style: chr7-55259544-G-C.
Other names: c.2467G>C, p.Glu823Gln (NM_001346897.2, NM_001346899.2); c.2602G>C, p.Glu868Gln (NM_001346898.2); c.2443G>C, p.Glu815Gln (NM_001346900.2); c.1801G>C, p.Glu601Gln (NM_001346941.2); short protein forms E868Q, E815Q, E823Q, E601Q.
Identifiers: ClinVar variation 4753258 (VCV004753258.1).
Genomic context (GRCh38, chr7:55,191,851, plus strand): 5'-CCGCAGCATGTCAAGATCACAGATTTTGGGCTGGCCAAACTGCTGGGTGCGGAAGAGAAA[G>C]AATACCATGCAGAAGGAGGCAAAGTAAGGAGGTGGCTTTAGGTCAGCCAGCATTTTCCTG-3'
Protein context (NP_005219.2, residues 858-878): LAKLLGAEEK[Glu868Gln]YHAEGGKVPI

ClinVar aggregate classification (germline): Uncertain significance (1 of 4 stars; one submission).

Conditions:
EGFR-related lung cancer (EGFR). Identifiers: MedGen CN130014.

Submission:

Labcorp Genetics (formerly Invitae), Labcorp
Classification: Uncertain significance for EGFR-related lung cancer. Last evaluated: 2025-07-06. Review status: criteria provided, single submitter. Criteria: Invitae Variant Classification Sherloc (09022015). Collection method: clinical testing. Allele origin: germline.
Comment: This sequence change replaces glutamic acid, which is acidic and polar, with glutamine, which is neutral and polar, at codon 868 of the EGFR protein (p.Glu868Gln). This variant is present in population databases (no rsID available, gnomAD 0.0009%). This variant has not been reported in the literature in individuals affected with EGFR-related conditions. Invitae Evidence Modeling of protein sequence and biophysical properties (such as structural, functional, and spatial information, amino acid conservation, physicochemical variation, residue mobility, and thermodynamic stability) indicates that this missense variant is not expected to disrupt EGFR protein function with a negative predictive value of 80%. In summary, the available evidence is currently insufficient to determine the role of this variant in disease. Therefore, it has been classified as a Variant of Uncertain Significance.